The following is an entry in ClinVar:

ClinVar aggregate classification (germline): Pathogenic (1 of 4 stars; one submission).

Conditions:
RASopathy. Also called: rasopathies; Noonan spectrum disorder. Identifiers: Orphanet 536391, MedGen C5555857, MONDO:0021060.

Submission:

Labcorp Genetics (formerly Invitae), Labcorp
Classification: Pathogenic for RASopathy. Last evaluated: 2020-06-01. Review status: criteria provided, single submitter. Criteria: Invitae Variant Classification Sherloc (09022015). Collection method: clinical testing. Allele origin: germline.
Comment: For these reasons, this variant has been classified as Pathogenic. Loss-of-function variants in PTPN11 are known to be pathogenic (PMID: 20577567, 21533187). This variant has not been reported in the literature in individuals with PTPN11-related conditions. This variant is not present in population databases (ExAC no frequency). This sequence change creates a premature translational stop signal (p.Glu359*) in the PTPN11 gene. It is expected to result in an absent or disrupted protein product.

Literature cited by the submitters: PubMed 20577567; PubMed 21533187.

NM_002834.5(PTPN11):c.1075G>T (p.Glu359Ter)

Gene: PTPN11 (protein tyrosine phosphatase non-receptor type 11; plus strand). Cytogenetic location: 12q24.13.
Variant type: single nucleotide variant.
Coding change: c.1075G>T on transcript NM_002834.5 (MANE Select); coding-DNA position 1075, G replaced by T.
Protein change: p.Glu359Ter; replaces glutamic acid 359 with a stop codon.
Molecular consequence: nonsense.
Genome position (GRCh38, 1-based): chr12:112,477,998, G>T. VCF-style: chr12-112477998-G-T. GRCh37 (hg19) VCF-style: chr12-112915802-G-T.
Other names: c.1075G>T, p.Glu359Ter (NM_001330437.2, NM_080601.3); c.1072G>T, p.Glu358Ter (NM_001374625.1); short protein forms E358*, E359*.
Identifiers: ClinVar variation 1072028 (VCV001072028.7), dbSNP rs2135902177, ClinGen allele CA386791699.